The following is an entry in ClinVar:

NM_000702.4(ATP1A2):c.2163_2164delinsGC (p.Ala721_Leu722=)

Gene: ATP1A2 (ATPase Na+/K+ transporting subunit alpha 2; plus strand). Cytogenetic location: 1q23.2.
Variant type: Indel.
Coding change: c.2163_2164delinsGC on transcript NM_000702.4 (MANE Select); coding-DNA positions 2163 to 2164, AT replaced by GC.
Protein change: p.Ala721_Leu722=.
Molecular consequence: synonymous variant.
Genome position (GRCh38, 1-based): chr1:160,135,481-160,135,482, AT replaced by GC. VCF-style: chr1-160135481-AT-GC. GRCh37 (hg19) VCF-style: chr1-160105271-AT-GC.
Identifiers: ClinVar variation 4535997 (VCV004535997.1).

ClinVar aggregate classification (germline): Likely benign (1 of 4 stars; one submission).

Submission:

Women's Health and Genetics/Laboratory Corporation of America, LabCorp
Classification: Likely benign. Last evaluated: 2025-09-24. Review status: criteria provided, single submitter. Criteria: LabCorp Variant Classification Summary - May 2015. Collection method: clinical testing. Allele origin: germline.
Comment: Variant summary: ATP1A2 c.2163_2164delinsGC alters a conserved nucleotide resulting in a synonymous change. Consensus agreement among computation tools predict no significant impact on normal splicing. However, these predictions have yet to be confirmed by functional studies. The variant was absent in 251462 control chromosomes (gnomAD). The available data on variant occurrences in the general population are insufficient to allow any conclusion about variant significance. To our knowledge, no occurrence of c.2163_2164delinsGC in individuals affected with ATP1A2-related conditions and no experimental evidence demonstrating its impact on protein function have been reported. No submitters have cited clinical-significance assessments for this variant to ClinVar. Based on the evidence outlined above, the variant was classified as likely benign.